The following is an entry in ClinVar:

ClinVar aggregate classification (germline): Uncertain significance. Review status: criteria provided, multiple submitters, no conflicts (2 of 4 stars). 2 submissions from 2 submitters: Uncertain significance (2). Last evaluated 2025-06-23.

Conditions:
Neuroblastoma, susceptibility to, 3. Also called: ALK-Related Neuroblastic Tumor Susceptibility. Identifiers: Orphanet 635, MedGen C2751681, MONDO:0013083, OMIM 613014.
Hereditary cancer-predisposing syndrome. Also called: Neoplastic Syndromes, Hereditary; Hereditary neoplastic syndrome; Tumor predisposition; Hereditary Cancer Syndrome. Identifiers: Orphanet 140162, MedGen C0027672, MeSH D009386, MONDO:0015356.

Allele frequency attached by ClinVar (database versions not stated): TOPMed 0.00001.

Submissions (2):

Labcorp Genetics (formerly Invitae), Labcorp
Classification: Uncertain significance for Neuroblastoma, susceptibility to, 3. Last evaluated: 2025-06-23. Review status: criteria provided, single submitter. Criteria: Invitae Variant Classification Sherloc (09022015). Collection method: clinical testing. Allele origin: germline.
Comment: This sequence change replaces glutamic acid, which is acidic and polar, with glycine, which is neutral and non-polar, at codon 1513 of the ALK protein (p.Glu1513Gly). This variant is not present in population databases (gnomAD no frequency). This variant has not been reported in the literature in individuals affected with ALK-related conditions. ClinVar contains an entry for this variant (Variation ID: 1942380). An algorithm developed to predict the effect of missense changes on protein structure and function (PolyPhen-2) suggests that this variant is likely to be disruptive. In summary, the available evidence is currently insufficient to determine the role of this variant in disease. Therefore, it has been classified as a Variant of Uncertain Significance.

Ambry Genetics
Classification: Uncertain significance for Hereditary cancer-predisposing syndrome. Last evaluated: 2025-01-09. Review status: criteria provided, single submitter. Criteria: Ambry Variant Classification Scheme 2023. Collection method: clinical testing. Allele origin: germline.
Comment: The p.E1513G variant (also known as c.4538A>G), located in coding exon 29 of the ALK gene, results from an A to G substitution at nucleotide position 4538. The glutamic acid at codon 1513 is replaced by glycine, an amino acid with similar properties. This amino acid position is conserved. In addition, the in silico prediction for this alteration is inconclusive. Based on the available evidence, the clinical significance of this variant remains unclear.

NM_004304.5(ALK):c.4538A>G (p.Glu1513Gly)

Gene: ALK (ALK receptor tyrosine kinase; minus strand). Cytogenetic location: 2p23.2.
Variant type: single nucleotide variant.
Coding change: c.4538A>G on transcript NM_004304.5 (MANE Select); coding-DNA position 4538, A replaced by G.
Protein change: p.Glu1513Gly; replaces glutamic acid 1513 with glycine.
Molecular consequence: missense variant.
Genome position (GRCh38, 1-based): chr2:29,193,549, T>C on the plus strand (A>G on the coding strand, the complement: ALK is on the minus strand). VCF-style: chr2-29193549-T-C. GRCh37 (hg19) VCF-style: chr2-29416415-T-C.
Other names: c.1334A>G, p.Glu445Gly (NM_001353765.2); c.4538A>G (NM_004304.4); short protein forms E1513G, E445G.
Identifiers: ClinVar variation 1942380 (VCV001942380.6), dbSNP rs1217418507, ClinGen allele CA346460912.